The following is an entry in ClinVar:

ClinVar aggregate classification (germline): Uncertain significance (1 of 4 stars; one submission).

Submission:

Ambry Genetics
Classification: Uncertain significance. Last evaluated: 2022-06-14. Review status: criteria provided, single submitter. Criteria: Ambry Variant Classification Scheme 2023. Collection method: clinical testing. Allele origin: germline.
Comment: The p.G278V variant (also known as c.833G>T), located in coding exon 4 of the GALNT12 gene, results from a G to T substitution at nucleotide position 833. The glycine at codon 278 is replaced by valine, an amino acid with dissimilar properties. This amino acid position is conserved. In addition, this alteration is predicted to be deleterious by in silico analysis. Since supporting evidence is limited at this time, the clinical significance of this alteration remains unclear.

NM_024642.5(GALNT12):c.833G>T (p.Gly278Val)

Gene: GALNT12 (polypeptide N-acetylgalactosaminyltransferase 12; plus strand). Cytogenetic location: 9q22.33.
Variant type: single nucleotide variant.
Coding change: c.833G>T on transcript NM_024642.5 (MANE Select); coding-DNA position 833, G replaced by T.
Protein change: p.Gly278Val; replaces glycine 278 with valine.
Molecular consequence: missense variant.
Genome position (GRCh38, 1-based): chr9:98,831,873, G>T. VCF-style: chr9-98831873-G-T. GRCh37 (hg19) VCF-style: chr9-101594155-G-T.
Other names: short protein forms G278V.
Identifiers: ClinVar variation 1762992 (VCV001762992.2), dbSNP rs1399071502, ClinGen allele CA374218105.